The following is an entry in ClinVar:

NM_018834.6(MATR3):c.479G>A (p.Arg160Lys)

Gene: MATR3 (matrin 3; plus strand). Cytogenetic location: 5q31.2.
Variant type: single nucleotide variant.
Coding change: c.479G>A on transcript NM_018834.6 (MANE Select); coding-DNA position 479, G replaced by A.
Protein change: p.Arg160Lys; replaces arginine 160 with lysine.
Molecular consequence: missense variant. On other transcripts: intron variant (11).
Genome position (GRCh38, 1-based): chr5:139,307,894, G>A. VCF-style: chr5-139307894-G-A. GRCh37 (hg19) VCF-style: chr5-138643583-G-A.
Other names: c.479G>A, p.Arg160Lys (NM_001194954.2, NM_001194955.2, NM_001400441.1 and 16 more transcripts); c.52-6781G>A (NM_001400459.1); c.-102-6781G>A (NM_001400463.1, NM_001400460.1, NM_001282278.2 and 3 more transcripts); c.-40-7803G>A (NM_001400462.1, NM_001400467.1); c.13-6781G>A (NM_001400461.1); c.49-6781G>A (NM_001194956.2); short protein forms R160K.
Identifiers: ClinVar variation 3603464 (VCV003603464.2).

ClinVar aggregate classification (germline): Uncertain significance (1 of 4 stars; one submission).

Conditions:
Amyotrophic lateral sclerosis type 21. Also called: VOCAL CORD AND PHARYNGEAL DYSFUNCTION WITH DISTAL MYOPATHY; MYOPATHY, DISTAL, 2. Identifiers: Orphanet 600, Orphanet 803, MedGen C3807521, MONDO:0011632, OMIM 606070.

Submission:

Labcorp Genetics (formerly Invitae), Labcorp
Classification: Uncertain significance for Amyotrophic lateral sclerosis type 21. Last evaluated: 2024-12-03. Review status: criteria provided, single submitter. Criteria: Invitae Variant Classification Sherloc (09022015). Collection method: clinical testing. Allele origin: germline.
Comment: This sequence change replaces arginine, which is basic and polar, with lysine, which is basic and polar, at codon 160 of the MATR3 protein (p.Arg160Lys). This variant is not present in population databases (gnomAD no frequency). This variant has not been reported in the literature in individuals affected with MATR3-related conditions. Invitae Evidence Modeling of protein sequence and biophysical properties (such as structural, functional, and spatial information, amino acid conservation, physicochemical variation, residue mobility, and thermodynamic stability) has been performed for this missense variant. However, the output from this modeling did not meet the statistical confidence thresholds required to predict the impact of this variant on MATR3 protein function. In summary, the available evidence is currently insufficient to determine the role of this variant in disease. Therefore, it has been classified as a Variant of Uncertain Significance.